The following is an entry in ClinVar:

NM_001458.5(FLNC):c.3982G>T (p.Val1328Phe)

Gene: FLNC (filamin C; plus strand). Cytogenetic location: 7q32.1.
Variant type: single nucleotide variant.
Coding change: c.3982G>T on transcript NM_001458.5 (MANE Select); coding-DNA position 3982, G replaced by T.
Protein change: p.Val1328Phe; replaces valine 1328 with phenylalanine.
Molecular consequence: missense variant.
Genome position (GRCh38, 1-based): chr7:128,846,318, G>T. VCF-style: chr7-128846318-G-T. GRCh37 (hg19) VCF-style: chr7-128486372-G-T.
Other names: c.3982G>T, p.Val1328Phe (NM_001127487.2); short protein forms V1328F.
Identifiers: ClinVar variation 4849197 (VCV004849197.1).

ClinVar aggregate classification (germline): Uncertain significance (1 of 4 stars; one submission).

Conditions:
Hypertrophic cardiomyopathy 26. Also called: Cardiomyopathy, familial hypertrophic, 26. Identifiers: Orphanet 75249, MedGen C4310749, MONDO:0014883, OMIM 617047.

Submission:

MVZ Medizinische Genetik Mainz
Classification: Uncertain significance for Hypertrophic cardiomyopathy 26. Last evaluated: 2026-03-26. Review status: criteria provided, single submitter. Criteria: UK Practice Guidelines For Variant Classification V4 01 2020. Collection method: clinical testing. Allele origin: germline. Inheritance: Autosomal dominant inheritance. Affected: yes. Observed: 1 variant allele.
Comment: ACMG Criteria: PP3_MOD,PM2_SUP